The following is an entry in ClinVar:

NM_005228.5(EGFR):c.2847G>C (p.Lys949Asn)

Gene: EGFR (epidermal growth factor receptor; plus strand). Cytogenetic location: 7p11.2.
Variant type: single nucleotide variant.
Coding change: c.2847G>C on transcript NM_005228.5 (MANE Select); coding-DNA position 2847, G replaced by C.
Protein change: p.Lys949Asn; replaces lysine 949 with asparagine.
Molecular consequence: missense variant.
Genome position (GRCh38, 1-based): chr7:55,198,862, G>C. VCF-style: chr7-55198862-G-C. GRCh37 (hg19) VCF-style: chr7-55266555-G-C.
Other names: c.2712G>C, p.Lys904Asn (NM_001346897.2, NM_001346899.2); c.2847G>C, p.Lys949Asn (NM_001346898.2); c.2688G>C, p.Lys896Asn (NM_001346900.2); c.2046G>C, p.Lys682Asn (NM_001346941.2); short protein forms K682N, K896N, K904N, K949N.
Identifiers: ClinVar variation 955579 (VCV000955579.9), dbSNP rs1787731529, ClinGen allele CA367581512.

ClinVar aggregate classification (germline): Uncertain significance (1 of 4 stars; one submission).

Conditions:
EGFR-related lung cancer (EGFR). Identifiers: MedGen CN130014.

Submission:

Labcorp Genetics (formerly Invitae), Labcorp
Classification: Uncertain significance for EGFR-related lung cancer. Last evaluated: 2019-09-19. Review status: criteria provided, single submitter. Criteria: Invitae Variant Classification Sherloc (09022015). Collection method: clinical testing. Allele origin: germline.
Comment: In summary, the available evidence is currently insufficient to determine the role of this variant in disease. Therefore, it has been classified as a Variant of Uncertain Significance. Algorithms developed to predict the effect of missense changes on protein structure and function are either unavailable or do not agree on the potential impact of this missense change (SIFT: "Deleterious"; PolyPhen-2: "Probably Damaging"; Align-GVGD: "Class C0"). This variant has not been reported in the literature in individuals with EGFR-related conditions. This variant is not present in population databases (ExAC no frequency). This sequence change replaces lysine with asparagine at codon 949 of the EGFR protein (p.Lys949Asn). The lysine residue is moderately conserved and there is a moderate physicochemical difference between lysine and asparagine.